The following is an entry in ClinVar:

NM_001005242.3(PKP2):c.380C>G (p.Thr127Arg)

Gene: PKP2 (plakophilin 2; minus strand). Cytogenetic location: 12p11.21.
Variant type: single nucleotide variant.
Coding change: c.380C>G on transcript NM_001005242.3 (MANE Select); coding-DNA position 380, C replaced by G.
Protein change: p.Thr127Arg; replaces threonine 127 with arginine.
Molecular consequence: missense variant.
Genome position (GRCh38, 1-based): chr12:32,878,500, G>C on the plus strand (C>G on the coding strand, the complement: PKP2 is on the minus strand). VCF-style: chr12-32878500-G-C. GRCh37 (hg19) VCF-style: chr12-33031434-G-C.
Other names: c.53C>G, p.Thr18Arg (NM_001407162.1, NM_001407158.1, NM_001407159.1 and 1 more transcripts); c.380C>G, p.Thr127Arg (NM_004572.4, NM_001407155.1, NM_001407156.1 and 2 more transcripts); short protein forms T127R, T18R.
Identifiers: ClinVar variation 3073764 (VCV003073764.1), dbSNP rs2541342943, ClinGen allele CA384365430.
Genomic context (GRCh38, chr12:32,878,500, plus strand): 5'-CTCCTCAGAGGATGCCTCAAGGACCTTTCTTCCACGGACTTCTGGGAGCTGTACTGTGCT[G>C]TTCCTCTTCCCCAGCGACCTTCATAAGTGGCAGTTGTGCCAGCCTGCACATGAGAGAAAT-3'
Protein context (NP_001005242.2, residues 117-137): ATYEGRWGRG[Thr127Arg]AQYSSQKSVE

ClinVar aggregate classification (germline): Uncertain significance (1 of 4 stars; one submission).

Conditions:
Arrhythmogenic right ventricular cardiomyopathy (ARVD). Also called: Arrhythmogenic right ventricular dysplasia; Cardiomyopathy, ARVC; Arrhythmogenic cardiomyopathy; Arrhythmogenic Right Ventricular Cardiomyopathy (ARVC). Identifiers: Orphanet 247, MedGen C0349788, MeSH D019571, MONDO:0016587. Disease mechanism: loss of function. Inheritance: Various modes of inheritance.

Submission:

All of Us Research Program, National Institutes of Health
Classification: Uncertain significance for Arrhythmogenic right ventricular cardiomyopathy. Last evaluated: 2023-10-06. Review status: criteria provided, single submitter. Criteria: ACMG Guidelines, 2015. Collection method: clinical testing. Allele origin: germline. Inheritance: Autosomal dominant inheritance. Observed: 1 variant allele, 1 heterozygote.
Comment: This missense variant replaces threonine with arginine at codon 127 of the PKP2 protein. Computational prediction suggests that this variant may not impact protein structure and function (internally defined REVEL score threshold <= 0.5, PMID: 27666373). To our knowledge, functional studies have not been reported for this variant. This variant has not been reported in individuals affected with cardiovascular disorders in the literature. This variant has not been identified in the general population by the Genome Aggregation Database (gnomAD). The available evidence is insufficient to determine the role of this variant in disease conclusively. Therefore, this variant is classified as a Variant of Uncertain Significance.

This study involves interpretation of variants in research participants for the purpose of population health screening. Participant phenotype was not available at the time of variant classification. Additional details can be found in publication PMID: 35346344, PMCID: PMC8962531